The following is an entry in ClinVar:

ClinVar aggregate classification (germline): Uncertain significance (1 of 4 stars; one submission).

Submission:

Mayo Clinic Laboratories, Mayo Clinic
Classification: Uncertain significance. Last evaluated: 2025-12-09. Review status: criteria provided, single submitter. Criteria: ACMG Guidelines, 2015. Collection method: clinical testing. Allele origin: germline. Observed: 1 variant allele.
Comment: PP1, PP2, PP3_moderate, PM2_supporting

Literature cited by the submitters: PubMed 34536826; PubMed 37752894; PubMed 38607533; PubMed 40225166.

NM_007175.8(ERLIN2):c.206A>T (p.Asp69Val)

Gene: ERLIN2 (ER lipid raft associated 2; plus strand). Cytogenetic location: 8p11.23.
Variant type: single nucleotide variant.
Coding change: c.206A>T on transcript NM_007175.8 (MANE Select); coding-DNA position 206, A replaced by T.
Protein change: p.Asp69Val; replaces aspartic acid 69 with valine.
Molecular consequence: missense variant.
Genome position (GRCh38, 1-based): chr8:37,741,788, A>T. VCF-style: chr8-37741788-A-T. GRCh37 (hg19) VCF-style: chr8-37599306-A-T.
Other names: p.Asp69Val; c.206A>T, p.Asp69Val (NM_001003790.4, NM_001003791.3, NM_001362878.2 and 1 more transcripts); short protein forms D69V.
Identifiers: ClinVar variation 4541351 (VCV004541351.1).